The following is an entry in ClinVar:

ClinVar aggregate classification (germline): Pathogenic/Likely pathogenic. Review status: criteria provided, multiple submitters, no conflicts (2 of 4 stars). 2 submissions from 2 submitters: Pathogenic (1); Likely pathogenic (1). Last evaluated 2021-10-04.

Conditions:
Hereditary breast ovarian cancer syndrome. Also called: Hereditary breast and ovarian cancer syndrome (HBOC); Hereditary breast and/or ovarian cancer syndrome; Hereditary breast and ovarian cancer; BRCA1- and BRCA2-Associated Hereditary Breast and Ovarian Cancer; Hereditary breast and ovarian cancer syndrome; Breast and ovarian cancer. Identifiers: Orphanet 145, MedGen C0677776, MeSH D061325, MONDO:0003582. Disease mechanism: loss of function.

Submissions (2):

Women's Health and Genetics/Laboratory Corporation of America, LabCorp
Classification: Likely pathogenic for Hereditary breast ovarian cancer syndrome. Last evaluated: 2021-10-04. Review status: criteria provided, single submitter. Criteria: LabCorp Variant Classification Summary - May 2015. Collection method: clinical testing. Allele origin: germline.
Comment: Variant summary: BRCA2 c.4632_4636delCCTTT (p.Leu1545X) results in a premature termination codon, predicted to cause a truncation of the encoded protein or absence of the protein due to nonsense mediated decay, which are commonly known mechanisms for disease. Truncations downstream of this position have been classified as pathogenic by our laboratory. The variant was absent in 250196 control chromosomes. To our knowledge, no occurrence of c.4632_4636delCCTTT in individuals affected with Hereditary Breast And Ovarian Cancer Syndrome and no experimental evidence demonstrating its impact on protein function have been reported. One clinical diagnostic laboratory has submitted clinical-significance assessments for this variant to ClinVar after 2014 without evidence for independent evaluation. One laboratory classified the variant as pathogenic. Based on the evidence outlined above, the variant was classified as likely pathogenic.

Labcorp Genetics (formerly Invitae), Labcorp
Classification: Pathogenic for Hereditary breast ovarian cancer syndrome. Last evaluated: 2021-01-21. Review status: criteria provided, single submitter. Criteria: Invitae Variant Classification Sherloc (09022015). Collection method: clinical testing. Allele origin: germline.
Comment: This variant is not present in population databases (ExAC no frequency). For these reasons, this variant has been classified as Pathogenic. Loss-of-function variants in BRCA2 are known to be pathogenic (PMID: 20104584). This variant has not been reported in the literature in individuals with BRCA2-related conditions. This sequence change creates a premature translational stop signal (p.Leu1545*) in the BRCA2 gene. It is expected to result in an absent or disrupted protein product.

Literature cited by the submitters: PubMed 20104584 (cited by Labcorp Genetics (formerly Invitae), Labcorp).

NM_000059.4(BRCA2):c.4632_4636del (p.Asn1544_Leu1545insTer)

Gene: BRCA2 (BRCA2 DNA repair associated; plus strand). Cytogenetic location: 13q13.1.
Variant type: Deletion.
Coding change: c.4632_4636del on transcript NM_000059.4 (MANE Select); coding-DNA positions 4632 to 4636, 5 bases deleted (CCTTT; older notation c.4632_4636delCCTTT).
Protein change: p.Asn1544_Leu1545insTer.
Molecular consequence: frameshift variant.
Genome position (GRCh38, 1-based): chr13:32,338,987-32,338,991, CCTTT deleted. VCF-style (leftmost placement, unchanged base first): chr13-32338986-ACCTTT-A. GRCh37 (hg19) VCF-style: chr13-32913123-ACCTTT-A.
Identifiers: ClinVar variation 1074186 (VCV001074186.8), dbSNP rs2137508514, ClinGen allele CA2499222174.
Genomic context (GRCh38, chr13:32,338,986, plus strand): 5'-TTCATACAGCTAGCGGGAAAAAAGTTAAAATTGCAAAGGAATCTTTGGACAAAGTGAAAA[ACCTTT>A]TTGATGAAAAAGAGCAAGGTACTAGTGAAATCACCAGTTTTAGCCATCAATGGGCAAAGA-3'